The following is an entry in ClinVar:

ClinVar aggregate classification (germline): Likely benign. Review status: criteria provided, multiple submitters, no conflicts (2 of 4 stars). 3 submissions from 3 submitters: Likely benign (3). Last evaluated 2026-01-25.

Conditions:
Multiple sulfatase deficiency (MSD). Also called: Mucosulfatidosis; Multiple Sulfatase Deficiency Disease; Sulfatidosis, Juvenile, Austin Type. Identifiers: Orphanet 585, MedGen C0268263, MONDO:0010088, OMIM 272200.

Allele frequency attached by ClinVar (database versions not stated): ESP Exome Variant Server 0.00008; gnomAD 0.00010; gnomAD exomes 0.00010 and 0.00011; ExAC 0.00011; TOPMed 0.00013.
gnomAD v4.1: 165 of 1,601,238 alleles (0.01%); highest among the groups gnomAD compares: Non-Finnish European, 0.014%; no homozygotes.

Submissions (3):

Labcorp Genetics (formerly Invitae), Labcorp
Classification: Likely benign for Multiple sulfatase deficiency. Last evaluated: 2026-01-25. Review status: criteria provided, single submitter. Criteria: Invitae Variant Classification Sherloc (09022015). Collection method: clinical testing. Allele origin: germline.

Mayo Clinic Laboratories, Mayo Clinic
Classification: Likely benign. Last evaluated: 2025-02-25. Review status: criteria provided, single submitter. Criteria: ACMG Guidelines, 2015. Collection method: clinical testing. Allele origin: germline. Observed: 1 variant allele.
Comment: BP4, BP7

Blueprint Genetics
Classification: Likely benign. Last evaluated: 2024-03-19. Review status: criteria provided, single submitter. Criteria: ACMG Guidelines, 2015. Collection method: clinical testing. Allele origin: germline.

NM_182760.4(SUMF1):c.841-16C>G

Gene: SUMF1 (sulfatase modifying factor 1; minus strand). Cytogenetic location: 3p26.1.
Variant type: single nucleotide variant.
Coding change: c.841-16C>G on transcript NM_182760.4 (MANE Select); 16 bases into the intron before coding-DNA position 841, C replaced by G.
Molecular consequence: intron variant.
Genome position (GRCh38, 1-based): chr3:4,410,994, G>C on the plus strand (C>G on the coding strand, the complement: SUMF1 is on the minus strand). VCF-style: chr3-4410994-G-C. GRCh37 (hg19) VCF-style: chr3-4452678-G-C.
Other names: p.?; c.766-16C>G (NM_001164674.2); c.841-16C>G (NM_001164675.2).
Identifiers: ClinVar variation 1587786 (VCV001587786.10), dbSNP rs376880649, ClinGen allele CA2230422.
Genomic context (GRCh38, chr3:4,410,994, plus strand): 5'-CACTATGTTGTATAAGCCATAACCATTGGGAGGGAAGGCATCAACCTAAAAACAAAGACA[G>C]GAAAAATGCTGTCAAACTATTCACCTGGTTTAAAAAACATCTTCAGTGCAGAAATGCAGC-3'